The following is an entry in ClinVar:

NM_001197104.2(KMT2A):c.5639del (p.Cys1879_Leu1880insTer)

Gene: KMT2A (lysine methyltransferase 2A; plus strand). Cytogenetic location: 11q23.3.
Variant type: Deletion.
Coding change: c.5639del on transcript NM_001197104.2 (MANE Select); coding-DNA position 5639, one base deleted (T; older notation c.5639delT).
Protein change: p.Cys1879_Leu1880insTer.
Molecular consequence: nonsense.
Genome position (GRCh38, 1-based): chr11:118,496,342, T deleted; the last of 3 consecutive T bases (chr11:118,496,340-118,496,342); deleting any one gives the same sequence. VCF-style (leftmost placement, unchanged base first): chr11-118496339-GT-G. GRCh37 (hg19) VCF-style: chr11-118367054-GT-G.
Other names: c.5729del, p.Cys1909_Leu1910insTer (NM_001412597.1); c.5630del, p.Cys1876_Leu1877insTer (NM_005933.4).
Identifiers: ClinVar variation 3236226 (VCV003236226.1), dbSNP rs2496948031, ClinGen allele CA2825002000.
Genomic context (GRCh38, chr11:118,496,339, plus strand): 5'-AAGACAGTCCAGAGCTGAACCCACCCCCAGGCATAGAAGACAATAGACAGTGTGCGTTAT[GT>G]TTGACTTATGGTGATGACAGTGCTAATGTAAGTACTTTGCAACACAGGGCCCTAGTTAAT-3'

ClinVar aggregate classification (germline): Likely pathogenic (1 of 4 stars; one submission).

Conditions:
Wiedemann-Steiner syndrome (WDSTS). Also called: Growth deficiency and mental retardation with facial dysmorphism. Identifiers: Orphanet 319182, MedGen C1854630, MONDO:0011518, OMIM 605130.

Submission:

MVZ Medizinische Genetik Mainz
Classification: Likely pathogenic for Wiedemann-Steiner syndrome. Last evaluated: 2021-09-29. Review status: criteria provided, single submitter. Criteria: UK Practice Guidelines For Variant Classification V4 01 2020. Collection method: clinical testing. Allele origin: germline. Inheritance: Autosomal dominant inheritance. Affected: yes. Observed: 1 variant allele.
Comment: ACMG Criteria: PVS1, PM2_SUP